The following is an entry in ClinVar:

NM_020987.5(ANK3):c.9971A>G (p.Tyr3324Cys)

Gene: ANK3 (ankyrin 3; minus strand). Cytogenetic location: 10q21.2.
Variant type: single nucleotide variant.
Coding change: c.9971A>G on transcript NM_020987.5 (MANE Select); coding-DNA position 9971, A replaced by G.
Protein change: p.Tyr3324Cys; replaces tyrosine 3324 with cysteine.
Molecular consequence: missense variant. On other transcripts: intron variant (4).
Genome position (GRCh38, 1-based): chr10:60,070,910, T>C on the plus strand (A>G on the coding strand, the complement: ANK3 is on the minus strand). VCF-style: chr10-60070910-T-C. GRCh37 (hg19) VCF-style: chr10-61830668-T-C.
Other names: c.4388-2901A>G (NM_001204403.2); c.4409-2901A>G (NM_001204404.2); c.4406-2901A>G (NM_001320874.2); c.1808-2901A>G (NM_001149.4); short protein forms Y3324C.
Identifiers: ClinVar variation 387344 (VCV000387344.3), dbSNP rs1057522763, ClinGen allele CA16606667.
Genomic context (GRCh38, chr10:60,070,910, plus strand): 5'-TTTTGTTCATCGTCCACTTCCTTTAATTTGAAGGTATATTTTTTAACTGGGACTGGCTGA[T>C]AAATAGATTCGTCATCGCTTGAATCACTGACGTCTGCCCCGGGAGGAACTGGTGAAGGTG-3'
Protein context (NP_066267.2, residues 3314-3334): VSDSSDDESI[Tyr3324Cys]QPVPVKKYTF

ClinVar aggregate classification (germline): Uncertain significance (1 of 4 stars; one submission).

Submission:

GeneDx
Classification: Uncertain significance. Last evaluated: 2019-08-30. Review status: criteria provided, single submitter. Criteria: GeneDx Variant Classification Process June 2021. Collection method: clinical testing. Allele origin: germline. Affected: yes.
Comment: Not observed in large population cohorts (Lek et al., 2016); In silico analysis, which includes protein predictors and evolutionary conservation, supports a deleterious effect; This variant is associated with the following publications: (PMID: 30679813)